The following is an entry in ClinVar:

ClinVar aggregate classification (germline): Uncertain significance (1 of 4 stars; one submission).

Conditions:
MAGI2-related disorder. Also called: MAGI2-related condition.

gnomAD v4.1: 4 of 1,612,836 alleles (0.00025%); highest among the groups gnomAD compares: Non-Finnish European, 0.00034%; no homozygotes.

Submission:

PreventionGenetics, part of Exact Sciences
Classification: Uncertain significance for MAGI2-related condition. Last evaluated: 2023-05-02. Review status: criteria provided, single submitter. Criteria: ACMG Guidelines, 2015. Collection method: clinical testing. Allele origin: germline.
Comment: The MAGI2 c.2722C>A variant is predicted to result in the amino acid substitution p.Pro908Thr. To our knowledge, this variant has not been reported in the literature or in a large population database, indicating this variant is rare. At this time, the clinical significance of this variant is uncertain due to the absence of conclusive functional and genetic evidence.

NM_012301.4(MAGI2):c.2722C>A (p.Pro908Thr)

Gene: MAGI2 (membrane associated guanylate kinase, WW and PDZ domain containing 2; minus strand). Cytogenetic location: 7q21.11.
Variant type: single nucleotide variant.
Coding change: c.2722C>A on transcript NM_012301.4 (MANE Select); coding-DNA position 2722, C replaced by A.
Protein change: p.Pro908Thr; replaces proline 908 with threonine.
Molecular consequence: missense variant.
Genome position (GRCh38, 1-based): chr7:78,160,148, G>T on the plus strand (C>A on the coding strand, the complement: MAGI2 is on the minus strand). VCF-style: chr7-78160148-G-T. GRCh37 (hg19) VCF-style: chr7-77789465-G-T.
Other names: c.2680C>A, p.Pro894Thr (NM_001301128.2); short protein forms P894T, P908T.
Identifiers: ClinVar variation 2628612 (VCV002628612.1), dbSNP rs772788663, ClinGen allele CA367851113.